The following is an entry in ClinVar:

ClinVar aggregate classification (germline): Uncertain significance (1 of 4 stars; one submission).

Allele frequency attached by ClinVar (database versions not stated): gnomAD 0.00001; gnomAD exomes 0.00001; ExAC 0.00002; 1000 Genomes Project 0.00020; 1000 Genomes Project 30x 0.00031.
gnomAD v4.1: 9 of 1,613,950 alleles (0.00056%); highest among the groups gnomAD compares: East Asian, 0.0089%; no homozygotes.

Submission:

GeneDx
Classification: Uncertain significance. Last evaluated: 2023-04-10. Review status: criteria provided, single submitter. Criteria: GeneDx Variant Classification Process June 2021. Collection method: clinical testing. Allele origin: germline. Affected: yes.
Comment: Not observed at significant frequency in large population cohorts (gnomAD); In silico analysis supports that this missense variant does not alter protein structure/function; Has not been previously published as pathogenic or benign to our knowledge

NM_015512.5(DNAH1):c.5110G>A (p.Val1704Met)

Gene: DNAH1 (dynein axonemal heavy chain 1; plus strand). Cytogenetic location: 3p21.1.
Variant type: single nucleotide variant.
Coding change: c.5110G>A on transcript NM_015512.5 (MANE Select); coding-DNA position 5110, G replaced by A.
Protein change: p.Val1704Met; replaces valine 1704 with methionine.
Molecular consequence: missense variant.
Genome position (GRCh38, 1-based): chr3:52,363,010, G>A. VCF-style: chr3-52363010-G-A. GRCh37 (hg19) VCF-style: chr3-52397026-G-A.
Other names: short protein forms V1704M.
Identifiers: ClinVar variation 2662406 (VCV002662406.1), dbSNP rs575960727, ClinGen allele CA2434107.